The following is an entry in ClinVar:

NM_000523.4(HOXD13):c.937A>C (p.Thr313Pro)

Gene: HOXD13 (homeobox D13; plus strand). Cytogenetic location: 2q31.1.
Variant type: single nucleotide variant.
Coding change: c.937A>C on transcript NM_000523.4 (MANE Select); coding-DNA position 937, A replaced by C.
Protein change: p.Thr313Pro; replaces threonine 313 with proline.
Molecular consequence: missense variant.
Genome position (GRCh38, 1-based): chr2:176,094,635, A>C. VCF-style: chr2-176094635-A-C. GRCh37 (hg19) VCF-style: chr2-176959363-A-C.
Other names: c.937A>C (NM_000523.3); short protein forms T313P.
Identifiers: ClinVar variation 870605 (VCV000870605.7), dbSNP rs1301927745, ClinGen allele CA349353838.

ClinVar aggregate classification (germline): Uncertain significance. Review status: criteria provided, multiple submitters, no conflicts (2 of 4 stars). 2 submissions from 2 submitters: Uncertain significance (2). Last evaluated 2022-04-07.

Conditions:
Abnormal finger morphology. Also called: Abnormality of finger. Identifiers: MedGen C2674737, HP:0001167.

Submissions (2):

GeneDx
Classification: Uncertain significance. Last evaluated: 2022-04-07. Review status: criteria provided, single submitter. Criteria: GeneDx Variant Classification Process June 2021. Collection method: clinical testing. Allele origin: germline. Affected: yes.
Comment: Not observed at significant frequency in large population cohorts (gnomAD); In silico analysis supports that this missense variant has a deleterious effect on protein structure/function; Has not been previously published as pathogenic or benign to our knowledge

Diagnostics Services (NGS), CSIR - Centre For Cellular And Molecular Biology
Classification: Uncertain significance for Abnormal finger morphology. Last evaluated: 2020-04-11. Review status: criteria provided, single submitter. Criteria: ACMG Guidelines, 2015. Collection method: clinical testing. Allele origin: unknown. Affected: yes. Observed: 1 homozygote.
Comment: The c.937A>C variant is not present in publicly available databases like 1000 Genomes, Exome Variant Server (EVS), Exome Aggregation Consortium (ExAC), Genome Aggregation Database (gnomAD) and dbSNP. The variant is not present in our in-house exome database. The variant was not reported to OMIM, Human Genome Mutation Database (HGMD) or ClinVar databases in any affected individuals. The variant is present in a conserved region and in-silico pathogenicity prediction programs like SIFT, PolyPhen-3, MutationTaster2, CADD etc. predicted this variant to be likely deleterious. However there are no documented functional studies to prove this. Due to lack of enough evidence the variant has been classified as uncertain significance.